The following is an entry in ClinVar:

NM_001127208.3(TET2):c.3594+1G>C

Genes: TET2 (tet methylcytosine dioxygenase 2; plus strand), TET2-AS1 (TET2 antisense RNA 1; minus strand). Cytogenetic location: 4q24.
Variant type: single nucleotide variant.
Coding change: c.3594+1G>C on transcript NM_001127208.3 (MANE Select); the canonical splice donor site of the intron after coding-DNA position 3594, G replaced by C.
Molecular consequence: splice donor variant.
Genome position (GRCh38, 1-based): chr4:105,242,928, G>C. VCF-style: chr4-105242928-G-C. GRCh37 (hg19) VCF-style: chr4-106164085-G-C.
Identifiers: ClinVar variation 2771954 (VCV002771954.3), dbSNP rs1267484829, ClinGen allele CA357804718.

ClinVar aggregate classification (germline): Likely pathogenic (1 of 4 stars; one submission).

Submission:

Labcorp Genetics (formerly Invitae), Labcorp
Classification: Likely pathogenic. Last evaluated: 2025-07-07. Review status: criteria provided, single submitter. Criteria: Invitae Variant Classification Sherloc (09022015). Collection method: clinical testing. Allele origin: germline.
Comment: This sequence change affects a donor splice site in intron 5 of the TET2 gene. It is expected to disrupt RNA splicing. Variants that disrupt the donor or acceptor splice site typically lead to a loss of protein function (PMID: 16199547), and loss-of-function variants in TET2 are known to be pathogenic (PMID: 36066697). This variant is not present in population databases (gnomAD no frequency). This variant has not been reported in the literature in individuals affected with TET2-related conditions. ClinVar contains an entry for this variant (Variation ID: 2771954). Algorithms developed to predict the effect of sequence changes on RNA splicing suggest that this variant may disrupt the consensus splice site. In summary, the currently available evidence indicates that the variant is pathogenic, but additional data are needed to prove that conclusively. Therefore, this variant has been classified as Likely Pathogenic.

Literature cited by the submitters: PubMed 16199547; PubMed 36066697.